The following is an entry in ClinVar:

NM_001101362.3(KBTBD13):c.1246A>T (p.Ile416Phe)

Gene: KBTBD13 (kelch repeat and BTB domain containing 13; plus strand). Cytogenetic location: 15q22.31.
Variant type: single nucleotide variant.
Coding change: c.1246A>T on transcript NM_001101362.3 (MANE Select); coding-DNA position 1246, A replaced by T.
Protein change: p.Ile416Phe; replaces isoleucine 416 with phenylalanine.
Molecular consequence: missense variant.
Genome position (GRCh38, 1-based): chr15:65,078,061, A>T. VCF-style: chr15-65078061-A-T. GRCh37 (hg19) VCF-style: chr15-65370399-A-T.
Other names: short protein forms I416F.
Identifiers: ClinVar variation 4765382 (VCV004765382.1).

ClinVar aggregate classification (germline): Uncertain significance (1 of 4 stars; one submission).

Conditions:
Nemaline myopathy 6 (NEM6). Also called: Nemaline myopathy 6, autosomal dominant. Identifiers: Orphanet 171439, MedGen C1836472, MONDO:0012237, OMIM 609273.

gnomAD v4.1: 5 of 1,600,656 alleles (0.00031%); highest among the groups gnomAD compares: Non-Finnish European, 0.00034%; no homozygotes.

Submission:

Labcorp Genetics (formerly Invitae), Labcorp
Classification: Uncertain significance for Nemaline myopathy 6. Last evaluated: 2025-10-14. Review status: criteria provided, single submitter. Criteria: Invitae Variant Classification Sherloc (09022015). Collection method: clinical testing. Allele origin: germline.
Comment: This sequence change replaces isoleucine, which is neutral and non-polar, with phenylalanine, which is neutral and non-polar, at codon 416 of the KBTBD13 protein (p.Ile416Phe). This variant is present in population databases (rs763604024, gnomAD 0.002%). This variant has not been reported in the literature in individuals affected with KBTBD13-related conditions. An algorithm developed to predict the effect of missense changes on protein structure and function (PolyPhen-2) suggests that this variant is likely to be disruptive. In summary, the available evidence is currently insufficient to determine the role of this variant in disease. Therefore, it has been classified as a Variant of Uncertain Significance.